The following is an entry in ClinVar:

ClinVar aggregate classification (germline): Uncertain significance. Review status: criteria provided, multiple submitters, no conflicts (2 of 4 stars). 2 submissions from 2 submitters: Uncertain significance (2). Last evaluated 2025-10-30.

Conditions:
Inborn genetic diseases. Identifiers: MedGen C0950123, MeSH D030342.

Allele frequency attached by ClinVar (database versions not stated): gnomAD exomes below 0.00001; gnomAD 0.00002; TOPMed 0.00002; ExAC 0.00004.
gnomAD v4.1: 7 of 1,576,562 alleles (0.00044%); highest among the groups gnomAD compares: Non-Finnish European, 0.0006%; no homozygotes.

Submissions (2):

Ambry Genetics
Classification: Uncertain significance for Inborn genetic diseases. Last evaluated: 2025-10-30. Review status: criteria provided, single submitter. Criteria: Ambry Variant Classification Scheme 2023. Collection method: clinical testing. Allele origin: germline.

Labcorp Genetics (formerly Invitae), Labcorp
Classification: Uncertain significance. Last evaluated: 2022-06-24. Review status: criteria provided, single submitter. Criteria: Invitae Variant Classification Sherloc (09022015). Collection method: clinical testing. Allele origin: germline.
Comment: In summary, the available evidence is currently insufficient to determine the role of this variant in disease. Therefore, it has been classified as a Variant of Uncertain Significance. Algorithms developed to predict the effect of missense changes on protein structure and function output the following: SIFT: "Tolerated"; PolyPhen-2: "Benign"; Align-GVGD: "Class C0". The alanine amino acid residue is found in multiple mammalian species, which suggests that this missense change does not adversely affect protein function. This variant has not been reported in the literature in individuals affected with SLC24A1-related conditions. The frequency data for this variant in the population databases is considered unreliable, as metrics indicate poor data quality at this position in the gnomAD database. This sequence change replaces valine, which is neutral and non-polar, with alanine, which is neutral and non-polar, at codon 723 of the SLC24A1 protein (p.Val723Ala).

NM_004727.3(SLC24A1):c.2168T>C (p.Val723Ala)

Gene: SLC24A1 (solute carrier family 24 member 1; plus strand). Cytogenetic location: 15q22.31.
Variant type: single nucleotide variant.
Coding change: c.2168T>C on transcript NM_004727.3 (MANE Select); coding-DNA position 2168, T replaced by C.
Protein change: p.Val723Ala; replaces valine 723 with alanine.
Molecular consequence: missense variant.
Genome position (GRCh38, 1-based): chr15:65,645,639, T>C. VCF-style: chr15-65645639-T-C. GRCh37 (hg19) VCF-style: chr15-65937977-T-C.
Other names: c.149T>C, p.Val50Ala (NM_001254740.2); c.2168T>C, p.Val723Ala (NM_001301031.1); c.2114T>C, p.Val705Ala (NM_001301032.1, NM_001301033.2); c.2168T>C (NM_004727.2); short protein forms V705A, V50A, V723A.
Identifiers: ClinVar variation 2101409 (VCV002101409.3), dbSNP rs775241844, ClinGen allele CA7620110.